The following is an entry in ClinVar:

NM_000093.5(COL5A1):c.5297_5305del (p.Phe1766_Gly1768del)

Genes: COL5A1 (collagen type V alpha 1 chain; plus strand), LOC101448202 (uncharacterized LOC101448202; minus strand). Cytogenetic location: 9q34.3.
Variant type: Deletion.
Coding change: c.5297_5305del on transcript NM_000093.5 (MANE Select); coding-DNA positions 5297 to 5305, 9 bases deleted (TCCTGGGCT; older notation c.5297_5305delTCCTGGGCT).
Protein change: p.Phe1766_Gly1768del.
Molecular consequence: inframe deletion.
Genome position (GRCh38, 1-based): chr9:134,835,131-134,835,139, TCCTGGGCT deleted; deleting any 9 consecutive bases within chr9:134,835,128-134,835,139 gives the same sequence; the c. name uses the placement nearest the transcript's 3' end. VCF-style (leftmost placement, unchanged base first): chr9-134835127-CGCTTCCTGG-C. GRCh37 (hg19) VCF-style: chr9-137726973-CGCTTCCTGG-C.
Other names: c.5297_5305del, p.Phe1766_Gly1768del (NM_001278074.1).
Identifiers: ClinVar variation 1320921 (VCV001320921.2), dbSNP rs2132925907, ClinGen allele CA2573053136.

ClinVar aggregate classification (germline): Uncertain significance (1 of 4 stars; one submission).

Submission:

GeneDx
Classification: Uncertain significance. Last evaluated: 2021-01-20. Review status: criteria provided, single submitter. Criteria: GeneDx Variant Classification Process June 2021. Collection method: clinical testing. Allele origin: germline. Affected: yes.
Comment: Has not been previously published as pathogenic or benign to our knowledge; Not observed in large population cohorts (Lek et al., 2016); In-frame deletion of 3 amino acids in a non-repeat region; In silico analysis supports a deleterious effect on protein structure/function